The following is an entry in ClinVar:

ClinVar aggregate classification (germline): Uncertain significance (1 of 4 stars; one submission).

Conditions:
MHC class II deficiency. Also called: Bare lymphocyte syndrome 2; BLS, TYPE II. Identifiers: Orphanet 572, MedGen C5447452, MONDO:0008855.

Allele frequency attached by ClinVar (database versions not stated): TOPMed below 0.00001; gnomAD exomes 0.00001.

Submission:

Labcorp Genetics (formerly Invitae), Labcorp
Classification: Uncertain significance for MHC class II deficiency. Last evaluated: 2023-04-20. Review status: criteria provided, single submitter. Criteria: Invitae Variant Classification Sherloc (09022015). Collection method: clinical testing. Allele origin: germline.
Comment: This sequence change replaces glycine, which is neutral and non-polar, with aspartic acid, which is acidic and polar, at codon 504 of the RFX5 protein (p.Gly504Asp). This variant is present in population databases (no rsID available, gnomAD 0.003%). This variant has not been reported in the literature in individuals affected with RFX5-related conditions. ClinVar contains an entry for this variant (Variation ID: 968923). An algorithm developed to predict the effect of missense changes on protein structure and function (PolyPhen-2) suggests that this variant is likely to be tolerated. In summary, the available evidence is currently insufficient to determine the role of this variant in disease. Therefore, it has been classified as a Variant of Uncertain Significance.

NM_001025603.2(RFX5):c.1511G>A (p.Gly504Asp)

Gene: RFX5 (regulatory factor X5; minus strand). Cytogenetic location: 1q21.3.
Variant type: single nucleotide variant.
Coding change: c.1511G>A on transcript NM_001025603.2 (MANE Select); coding-DNA position 1511, G replaced by A.
Protein change: p.Gly504Asp; replaces glycine 504 with aspartic acid.
Molecular consequence: missense variant.
Genome position (GRCh38, 1-based): chr1:151,342,526, C>T on the plus strand (G>A on the coding strand, the complement: RFX5 is on the minus strand). VCF-style: chr1-151342526-C-T. GRCh37 (hg19) VCF-style: chr1-151315002-C-T.
Other names: c.1511G>A, p.Gly504Asp (NM_000449.4, NM_001379412.1, NM_001379413.1 and 5 more transcripts); c.1391G>A, p.Gly464Asp (NM_001379419.1, NM_001379420.1); short protein forms G504D, G464D.
Identifiers: ClinVar variation 968923 (VCV000968923.4), dbSNP rs1211796527, ClinGen allele CA341925713.
Genomic context (GRCh38, chr1:151,342,526, plus strand): 5'-GCCTCTCCCATTGGCCCTGGCCTCTCTGCCCCTCCAGCTGAGTTGCCTTCCCCTCCTGAG[C>T]CCCATGTCTCCCATGGTAACCTTGAGGACTGGGCAGATTCCATGGCAGCTGCTGACTTGA-3'
Protein context (NP_001020774.1, residues 494-514): QSSRLPWETW[Gly504Asp]SGGEGNSAGG